The following is an entry in ClinVar:

NM_004621.6(TRPC6):c.626A>G (p.Tyr209Cys)

Gene: TRPC6 (transient receptor potential cation channel subfamily C member 6; minus strand). Cytogenetic location: 11q22.1.
Variant type: single nucleotide variant.
Coding change: c.626A>G on transcript NM_004621.6 (MANE Select); coding-DNA position 626, A replaced by G.
Protein change: p.Tyr209Cys; replaces tyrosine 209 with cysteine.
Molecular consequence: missense variant.
Genome position (GRCh38, 1-based): chr11:101,504,343, T>C on the plus strand (A>G on the coding strand, the complement: TRPC6 is on the minus strand). VCF-style: chr11-101504343-T-C. GRCh37 (hg19) VCF-style: chr11-101375074-T-C.
Other names: short protein forms Y209C.
Identifiers: ClinVar variation 1347148 (VCV001347148.6), dbSNP rs769554268, ClinGen allele CA6244488.

ClinVar aggregate classification (germline): Uncertain significance (1 of 4 stars; one submission).

Allele frequency attached by ClinVar (database versions not stated): gnomAD exomes below 0.00001; ExAC 0.00001; gnomAD 0.00001.
gnomAD v4.1: 2 of 1,613,972 alleles (0.00012%); highest among the groups gnomAD compares: Non-Finnish European, 0.00017%; no homozygotes.

Submission:

Labcorp Genetics (formerly Invitae), Labcorp
Classification: Uncertain significance. Last evaluated: 2021-10-25. Review status: criteria provided, single submitter. Criteria: Invitae Variant Classification Sherloc (09022015). Collection method: clinical testing. Allele origin: germline.
Comment: In summary, the available evidence is currently insufficient to determine the role of this variant in disease. Therefore, it has been classified as a Variant of Uncertain Significance. Algorithms developed to predict the effect of missense changes on protein structure and function are either unavailable or do not agree on the potential impact of this missense change (SIFT: "Deleterious"; PolyPhen-2: "Probably Damaging"; Align-GVGD: "Class C0"). This variant has not been reported in the literature in individuals affected with TRPC6-related conditions. This variant is present in population databases (rs769554268, gnomAD 0.004%). This sequence change replaces tyrosine, which is neutral and polar, with cysteine, which is neutral and slightly polar, at codon 209 of the TRPC6 protein (p.Tyr209Cys).